The following is an entry in ClinVar:

ClinVar aggregate classification (germline): Uncertain significance. Review status: criteria provided, multiple submitters, no conflicts (2 of 4 stars). 4 submissions from 4 submitters: Uncertain significance (4). Last evaluated 2024-11-27.

Allele frequency attached by ClinVar (database versions not stated): ExAC 0.00041; gnomAD exomes 0.00044 and 0.00077; 1000 Genomes Project 0.00060; 1000 Genomes Project 30x 0.00062; gnomAD 0.00062 and 0.00064; ESP Exome Variant Server 0.00092.

Submissions (4):

Blueprint Genetics
Classification: Uncertain significance. Last evaluated: 2024-11-27. Review status: criteria provided, single submitter. Criteria: ACMG Guidelines, 2015. Collection method: clinical testing. Allele origin: germline.

Labcorp Genetics (formerly Invitae), Labcorp
Classification: Uncertain significance. Last evaluated: 2022-10-24. Review status: criteria provided, single submitter. Criteria: Invitae Variant Classification Sherloc (09022015). Collection method: clinical testing. Allele origin: germline.
Comment: This sequence change replaces glutamic acid, which is acidic and polar, with lysine, which is basic and polar, at codon 1065 of the TUBGCP6 protein (p.Glu1065Lys). This variant is present in population databases (rs143759693, gnomAD 0.09%), and has an allele count higher than expected for a pathogenic variant. This variant has not been reported in the literature in individuals affected with TUBGCP6-related conditions. ClinVar contains an entry for this variant (Variation ID: 437152). Algorithms developed to predict the effect of missense changes on protein structure and function are either unavailable or do not agree on the potential impact of this missense change (SIFT: "Tolerated"; PolyPhen-2: "Probably Damaging"; Align-GVGD: "Class C0"). In summary, the available evidence is currently insufficient to determine the role of this variant in disease. Therefore, it has been classified as a Variant of Uncertain Significance.

CeGaT Center for Human Genetics Tuebingen
Classification: Uncertain significance. Last evaluated: 2021-06-01. Review status: criteria provided, single submitter. Criteria: CeGaT Center For Human Genetics Tuebingen Variant Classification Criteria Version 2. Collection method: clinical testing. Allele origin: germline. Affected: yes. Observed: 1 variant allele.

Genetic Services Laboratory, University of Chicago
Classification: Uncertain significance. Last evaluated: 2017-04-12. Review status: criteria provided, single submitter. Criteria: ACMG Guidelines, 2015. Collection method: clinical testing. Allele origin: germline. Affected: no.

NM_020461.4(TUBGCP6):c.3193G>A (p.Glu1065Lys)

Gene: TUBGCP6 (tubulin gamma complex component 6; minus strand). Cytogenetic location: 22q13.33.
Variant type: single nucleotide variant.
Coding change: c.3193G>A on transcript NM_020461.4 (MANE Select); coding-DNA position 3193, G replaced by A.
Protein change: p.Glu1065Lys; replaces glutamic acid 1065 with lysine.
Molecular consequence: missense variant.
Genome position (GRCh38, 1-based): chr22:50,221,166, C>T on the plus strand (G>A on the coding strand, the complement: TUBGCP6 is on the minus strand). VCF-style: chr22-50221166-C-T. GRCh37 (hg19) VCF-style: chr22-50659595-C-T.
Other names: short protein forms E1065K.
Identifiers: ClinVar variation 437152 (VCV000437152.46), dbSNP rs143759693, ClinGen allele CA10308021.